The following is an entry in ClinVar:

ClinVar aggregate classification (germline): Conflicting classifications of pathogenicity. Review status: criteria provided, conflicting classifications (1 of 4 stars). 4 submissions from 4 submitters: Uncertain significance (1); Likely benign (2). 1 of the submissions does not count toward it. Last evaluated 2026-02-16.

Conditions:
ANK3-related disorder. Also called: ANK3-related condition.

Allele frequency attached by ClinVar (database versions not stated): gnomAD exomes 0.00026; ExAC 0.00036; 1000 Genomes Project 30x 0.00094; gnomAD 0.00100 and 0.00106; 1000 Genomes Project 0.00120; TOPMed 0.00124; ESP Exome Variant Server 0.00131.
gnomAD v4.1: 301 of 1,614,188 alleles (0.019%); highest among the groups gnomAD compares: African/African-American, 0.35%; 1 homozygote.

Submissions (4):

Women's Health and Genetics/Laboratory Corporation of America, LabCorp
Classification: Likely benign. Last evaluated: 2026-02-16. Review status: criteria provided, single submitter. Criteria: LabCorp Variant Classification Summary - May 2015. Collection method: clinical testing. Allele origin: germline.
Comment: Variant summary: ANK3 c.2161G>T (p.Ala721Ser) results in a conservative amino acid change in the encoded protein sequence. Algorithms developed to predict the effect of missense changes on protein structure and function are either unavailable or do not agree on the potential impact of this missense change. The variant allele was found at a frequency of 0.00026 in 251450 control chromosomes, predominantly at a frequency of 0.0032 within the African or African-American subpopulation in the gnomAD database. The observed variant frequency within African or African-American control individuals in the gnomAD database exceeds the estimated maximal expected allele frequency for disease-causing variants in ANK3. To our knowledge, no occurrence of c.2161G>T in individuals affected with ANK3-related conditions and no experimental evidence demonstrating its impact on protein function have been reported. ClinVar contains an entry for this variant (Variation ID: 709449). Based on the evidence outlined above, the variant was classified as likely benign.

Labcorp Genetics (formerly Invitae), Labcorp
Classification: Likely benign. Last evaluated: 2025-05-13. Review status: criteria provided, single submitter. Criteria: Invitae Variant Classification Sherloc (09022015). Collection method: clinical testing. Allele origin: germline.

GeneDx
Classification: Uncertain significance. Last evaluated: 2022-10-05. Review status: criteria provided, single submitter. Criteria: GeneDx Variant Classification Process June 2021. Collection method: clinical testing. Allele origin: germline. Affected: yes.
Comment: In silico analysis supports that this missense variant has a deleterious effect on protein structure/function; Has not been previously published as pathogenic or benign to our knowledge; Variants in candidate genes are classified as variants of uncertain significance in accordance with ACMG guidelines (Richards et al., 2015)

PreventionGenetics, part of Exact Sciences
Classification: Likely benign for ANK3-related condition. Last evaluated: 2022-02-09. Review status: no assertion criteria provided. Collection method: clinical testing. Allele origin: germline. Not counted in ClinVar's aggregate classification.
Comment: This variant is classified as likely benign based on ACMG/AMP sequence variant interpretation guidelines (Richards et al. 2015 PMID: 25741868, with internal and published modifications).

NM_020987.5(ANK3):c.2161G>T (p.Ala721Ser)

Gene: ANK3 (ankyrin 3; minus strand). Cytogenetic location: 10q21.2.
Variant type: single nucleotide variant.
Coding change: c.2161G>T on transcript NM_020987.5 (MANE Select); coding-DNA position 2161, G replaced by T.
Protein change: p.Ala721Ser; replaces alanine 721 with serine.
Molecular consequence: missense variant.
Genome position (GRCh38, 1-based): chr10:60,181,352, C>A on the plus strand (G>T on the coding strand, the complement: ANK3 is on the minus strand). VCF-style: chr10-60181352-C-A. GRCh37 (hg19) VCF-style: chr10-61941110-C-A.
Other names: c.2143G>T, p.Ala715Ser (NM_001204403.2); c.2110G>T, p.Ala704Ser (NM_001204404.2); c.2161G>T, p.Ala721Ser (NM_001320874.2); c.2161G>T (NM_020987.3); short protein forms A721S, A704S, A715S.
Identifiers: ClinVar variation 709449 (VCV000709449.13), dbSNP rs147329178, ClinGen allele CA5512920.